The following is an entry in ClinVar:

ClinVar aggregate classification (germline): Likely pathogenic (1 of 4 stars; one submission).

Conditions:
SGCE-related disorder. Also called: SGCE-related condition.

Submission:

PreventionGenetics, part of Exact Sciences
Classification: Likely pathogenic for SGCE-related condition. Last evaluated: 2026-06-23. Review status: criteria provided, single submitter. Criteria: ACMG Guidelines, 2015. Collection method: clinical testing. Allele origin: germline.
Comment: The SGCE c.318delG variant is predicted to result in a frameshift and premature protein termination (p.Thr107Hisfs*25). To our knowledge, this variant has not been reported in the literature. This variant is absent in a large population database (gnomAD), indicating this variant is rare. Frameshift variants in SGCE are an established mechanism of disease. This variant is interpreted as likely pathogenic.

NM_003919.3(SGCE):c.318del (p.Thr107fs)

Genes: CASD1 (CAS1 domain sialic acid O acetyltransferase 1; plus strand), SGCE (sarcoglycan epsilon; minus strand). Cytogenetic location: 7q21.3.
Variant type: Deletion.
Coding change: c.318del on transcript NM_003919.3 (MANE Select); coding-DNA position 318, one base deleted (G; older notation c.318delG).
Protein change: p.Thr107fs; shifts the reading frame from threonine 107.
Molecular consequence: frameshift variant.
Genome position (GRCh38, 1-based): chr7:94,628,274, C deleted on the plus strand (G on the coding strand, the reverse complement: SGCE is on the minus strand); the first of 2 consecutive C bases (chr7:94,628,274-94,628,275); deleting either gives the same sequence. VCF-style (leftmost placement, unchanged base first): chr7-94628273-TC-T. GRCh37 (hg19) VCF-style: chr7-94257585-TC-T.
Other names: c.318del, p.Thr107fs (NM_001099400.2, NM_001099401.2, NM_001346717.2); c.195del, p.Thr66fs (NM_001301139.2, NM_001362809.2); c.426del, p.Thr143fs (NM_001346713.2, NM_001346715.2); c.231del, p.Thr78fs (NM_001346719.2, NM_001362807.2); c.45del, p.Thr16fs (NM_001346720.2, NM_001362808.2); short protein forms T66fs, T107fs, T143fs, T16fs, T78fs.
Identifiers: ClinVar variation 4993028 (VCV004993028.1).
Genomic context (GRCh38, chr7:94,628,273, plus strand): 5'-TTGGCTTCCCCACATTTTCAGCTGTTGGGGACCCATATAGGACTCCATCACTATATGGTG[TC>T]CTTTGGATATATCGAAGCCATCCAGGTCGGTCTGGGTAACCCATTAAATTTGTATTAAAT-3'